The following is an entry in ClinVar:

ClinVar aggregate classification (germline): Uncertain significance (1 of 4 stars; one submission).

Conditions:
Bilateral frontoparietal polymicrogyria. Also called: CORTICAL DYSPLASIA, COMPLEX, WITH OTHER BRAIN MALFORMATIONS 14A (BILATERAL FRONTOPARIETAL); CEREBELLAR ATAXIA WITH NEURONAL MIGRATION DEFECT. Identifiers: Orphanet 101070, MedGen C1847352, MONDO:0011738, OMIM 606854.

Submission:

Diagnostics Services (NGS), CSIR - Centre For Cellular And Molecular Biology
Classification: Uncertain significance for Bilateral frontoparietal polymicrogyria. Last evaluated: 2023-10-06. Review status: criteria provided, single submitter. Criteria: ACMG Guidelines, 2015. Collection method: clinical testing. Allele origin: germline. Affected: yes. Observed: 1 variant allele, 1 homozygote.
Comment: The c.64+5G>T variant is not present in publicly available population databases like 1000 Genomes, EVS, ExAC, gnomAD, Indian Exome Database or our in-house exome database. This variant has neither been published in literature in individuals affected with ADGRG1-related conditions nor reported to the clinical databases like ClinVar, Human Genome Mutation Database (HGMD) or OMIM. In-silico pathogenicity programs like MutationTaster2, CADD etc predicted this variant to be likely deleterious. This variant is located near a canonical splice-site region of the gene and different algorithms to predict mRNA splicing abnormalities, predicted unanimously that this variant will probably affect splicing by alteration of the wild-type donor site, however these predictions were not confirmed by published functional/translational studies.

NM_201525.4(ADGRG1):c.64+5G>T

Gene: ADGRG1 (adhesion G protein-coupled receptor G1; plus strand). Cytogenetic location: 16q21.
Variant type: single nucleotide variant.
Coding change: c.64+5G>T on transcript NM_201525.4 (MANE Select); 5 bases into the intron after coding-DNA position 64, G replaced by T.
Molecular consequence: intron variant.
Genome position (GRCh38, 1-based): chr16:57,650,356, G>T. VCF-style: chr16-57650356-G-T. GRCh37 (hg19) VCF-style: chr16-57684268-G-T.
Other names: c.64+5G>T (NM_001370440.1, NM_001370428.1, NM_001370436.1 and 20 more transcripts); c.-419+5G>T (NM_001370451.1, NM_001290143.2, NM_001290144.2); c.-503+5G>T (NM_001370453.1); c.-414-891G>T (NM_001370454.1).
Identifiers: ClinVar variation 2583167 (VCV002583167.1), dbSNP rs2043729030, ClinGen allele CA396040555.